The following is an entry in ClinVar:

ClinVar aggregate classification (germline): Conflicting classifications of pathogenicity. Review status: criteria provided, conflicting classifications (1 of 4 stars). 4 submissions from 4 submitters: Uncertain significance (1); Likely benign (3). Last evaluated 2026-07-28.

Conditions:
Bardet-Biedl syndrome 1 (BBS1). Identifiers: MedGen C2936862, MONDO:0008854, OMIM 209900. Disease mechanism: loss of function.
Bardet-Biedl syndrome (BBS). Identifiers: Orphanet 110, MedGen C0752166, MONDO:0015229.
BBS1-related disorder. Also called: BBS1-related condition.

Allele frequency attached by ClinVar (database versions not stated): gnomAD exomes 0.00001 and 0.00009; gnomAD 0.00002 and 0.00003; TOPMed 0.00009; ExAC 0.00010; 1000 Genomes Project 30x 0.00016; 1000 Genomes Project 0.00020.
gnomAD v4.1: 25 of 1,614,130 alleles (0.0015%); highest among the groups gnomAD compares: East Asian, 0.049%; no homozygotes.

Submissions (4):

PreventionGenetics, part of Exact Sciences
Classification: Likely benign for BBS1-related condition. Last evaluated: 2026-07-28. Review status: criteria provided, single submitter. Criteria: ACMG Guidelines, 2015. Collection method: clinical testing. Allele origin: germline.
Comment: This variant is classified as likely benign based on ACMG/AMP sequence variant interpretation guidelines (Richards et al. 2015 PMID: 25741868, with internal and published modifications).

Labcorp Genetics (formerly Invitae), Labcorp
Classification: Likely benign for Bardet-Biedl syndrome. Last evaluated: 2026-01-18. Review status: criteria provided, single submitter. Criteria: Invitae Variant Classification Sherloc (09022015). Collection method: clinical testing. Allele origin: germline.

Blueprint Genetics
Classification: Likely benign. Last evaluated: 2024-02-14. Review status: criteria provided, single submitter. Criteria: ACMG Guidelines, 2015. Collection method: clinical testing. Allele origin: germline.

Illumina Laboratory Services, Illumina
Classification: Uncertain significance for Bardet-Biedl syndrome 1. Last evaluated: 2018-01-12. Review status: criteria provided, single submitter. Criteria: ICSL Variant Classification Criteria 13 December 2019. Collection method: clinical testing. Allele origin: germline.

NM_024649.5(BBS1):c.243G>A (p.Pro81=)

Gene: BBS1 (Bardet-Biedl syndrome 1; plus strand). Cytogenetic location: 11q13.2.
Variant type: single nucleotide variant.
Coding change: c.243G>A on transcript NM_024649.5 (MANE Select); coding-DNA position 243, G replaced by A.
Protein change: p.Pro81=; no amino-acid change (proline 81 retained).
Molecular consequence: synonymous variant.
Genome position (GRCh38, 1-based): chr11:66,514,489, G>A. VCF-style: chr11-66514489-G-A. GRCh37 (hg19) VCF-style: chr11-66281960-G-A.
Identifiers: ClinVar variation 697608 (VCV000697608.16), dbSNP rs141429900, ClinGen allele CA6123295.